The following is an entry in ClinVar:

ClinVar aggregate classification (germline): Uncertain significance. Review status: criteria provided, multiple submitters, no conflicts (2 of 4 stars). 2 submissions from 2 submitters: Uncertain significance (2). Last evaluated 2024-02-01.

Conditions:
Familial steroid-resistant nephrotic syndrome with sensorineural deafness. Identifiers: Orphanet 280406, MedGen C3553349, MONDO:0013836, OMIM 614650.

Allele frequency attached by ClinVar (database versions not stated): gnomAD 0.00002; ExAC 0.00001; 1000 Genomes Project 30x 0.00016; 1000 Genomes Project 0.00020; TOPMed 0.00001.
gnomAD v4.1: 7 of 1,614,174 alleles (0.00043%); highest among the groups gnomAD compares: African/African-American, 0.0027%; no homozygotes.

Submissions (2):

Fulgent Genetics
Classification: Uncertain significance for Familial steroid-resistant nephrotic syndrome with sensorineural deafness. Last evaluated: 2024-02-01. Review status: criteria provided, single submitter. Criteria: ACMG Guidelines, 2015. Collection method: clinical testing. Allele origin: germline.

GeneDx
Classification: Uncertain significance. Last evaluated: 2022-09-06. Review status: criteria provided, single submitter. Criteria: GeneDx Variant Classification Process June 2021. Collection method: clinical testing. Allele origin: germline. Affected: yes.
Comment: Not observed at significant frequency in large population cohorts (gnomAD); In silico analysis supports that this missense variant has a deleterious effect on protein structure/function; Has not been previously published as pathogenic or benign to our knowledge

NM_182476.3(COQ6):c.1028G>A (p.Arg343Gln)

Genes: COQ6 (coenzyme Q6, monooxygenase; plus strand), ENTPD5 (ectonucleoside triphosphate diphosphohydrolase 5; minus strand). Cytogenetic location: 14q24.3.
Variant type: single nucleotide variant.
Coding change: c.1028G>A on transcript NM_182476.3 (MANE Select); coding-DNA position 1028, G replaced by A.
Protein change: p.Arg343Gln; replaces arginine 343 with glutamine.
Molecular consequence: missense variant. On other transcripts: 3 prime UTR variant (1), intron variant (5).
Genome position (GRCh38, 1-based): chr14:73,961,309, G>A. VCF-style: chr14-73961309-G-A. GRCh37 (hg19) VCF-style: chr14-74428012-G-A.
Other names: c.1028G>A, p.Arg343Gln (NM_001425255.1); c.920G>A, p.Arg307Gln (NM_001425256.1); c.863G>A, p.Arg288Gln (NM_001425257.1); c.845G>A, p.Arg282Gln (NM_001425258.1); c.803G>A, p.Arg268Gln (NM_001425259.1, NM_001425260.1, NM_001425261.1); c.773G>A, p.Arg258Gln (NM_001425262.1); c.701G>A, p.Arg234Gln (NM_001425263.1); c.488G>A, p.Arg163Gln (NM_001425264.1, NM_001425265.1); and 5 more; short protein forms R318Q, R343Q.
Identifiers: ClinVar variation 2442419 (VCV002442419.2), dbSNP rs199913054, ClinGen allele CA7264416.
Genomic context (GRCh38, chr14:73,961,309, plus strand): 5'-CCACTAAGGTCTCGGCTCGCCAGCTGCCCCCAAGCGTAGCCAGGGTGGATGCCAAAAGCC[G>A]AGTTCTGTTTCCTCTTGGGTTGGGACATGCTGCTGAGTACGTCAGGCCTCGGGTGGCGCT-3'
Protein context (NP_872282.1, residues 333-353): PSVARVDAKS[Arg343Gln]VLFPLGLGHA